The following is an entry in ClinVar:

NM_001371623.1(TCOF1):c.3702T>C (p.Ser1234=)

Gene: TCOF1 (treacle ribosome biogenesis factor 1; plus strand). Cytogenetic location: 5q32.
Variant type: single nucleotide variant.
Coding change: c.3702T>C on transcript NM_001371623.1 (MANE Select); coding-DNA position 3702, T replaced by C.
Protein change: p.Ser1234=; no amino-acid change (serine 1234 retained).
Molecular consequence: synonymous variant.
Genome position (GRCh38, 1-based): chr5:150,393,470, T>C. VCF-style: chr5-150393470-T-C. GRCh37 (hg19) VCF-style: chr5-149773033-T-C.
Other names: c.3468T>C, p.Ser1156= (NM_000356.4, NM_001437406.1); c.3699T>C, p.Ser1233= (NM_001135243.2); c.3588T>C, p.Ser1196= (NM_001135244.2); c.3471T>C, p.Ser1157= (NM_001135245.2); c.3585T>C, p.Ser1195= (NM_001195141.2).
Identifiers: ClinVar variation 4994223 (VCV004994223.1).

ClinVar aggregate classification (germline): Likely benign (1 of 4 stars; one submission).

Conditions:
TCOF1-related disorder. Also called: TCOF1-related condition.

gnomAD v4.1: 2 of 1,614,120 alleles (0.00012%); highest among the groups gnomAD compares: Non-Finnish European, 0.000085%; no homozygotes.

Submission:

PreventionGenetics, part of Exact Sciences
Classification: Likely benign for TCOF1-related condition. Last evaluated: 2026-06-04. Review status: criteria provided, single submitter. Criteria: ACMG Guidelines, 2015. Collection method: clinical testing. Allele origin: germline.
Comment: This variant is classified as likely benign based on ACMG/AMP sequence variant interpretation guidelines (Richards et al. 2015 PMID: 25741868, with internal and published modifications).